The following is an entry in ClinVar:

ClinVar aggregate classification (germline): Uncertain significance (1 of 4 stars; one submission).

Allele frequency attached by ClinVar (database versions not stated): gnomAD 0.00001; gnomAD exomes 0.00001; TOPMed 0.00003.
gnomAD v4.1: 14 of 1,548,394 alleles (0.0009%); highest among the groups gnomAD compares: East Asian, 0.0024%; no homozygotes.

Submission:

Labcorp Genetics (formerly Invitae), Labcorp
Classification: Uncertain significance. Last evaluated: 2025-07-08. Review status: criteria provided, single submitter. Criteria: Invitae Variant Classification Sherloc (09022015). Collection method: clinical testing. Allele origin: germline.
Comment: This sequence change replaces arginine, which is basic and polar, with cysteine, which is neutral and slightly polar, at codon 1732 of the MYO7A protein (p.Arg1732Cys). This variant is present in population databases (no rsID available, gnomAD 0.002%). This variant has not been reported in the literature in individuals affected with MYO7A-related conditions. ClinVar contains an entry for this variant (Variation ID: 1401502). Invitae Evidence Modeling of protein sequence and biophysical properties (such as structural, functional, and spatial information, amino acid conservation, physicochemical variation, residue mobility, and thermodynamic stability) has been performed for this missense variant. However, the output from this modeling did not meet the statistical confidence thresholds required to predict the impact of this variant on MYO7A protein function. In summary, the available evidence is currently insufficient to determine the role of this variant in disease. Therefore, it has been classified as a Variant of Uncertain Significance.

NM_000260.4(MYO7A):c.5194C>T (p.Arg1732Cys)

Gene: MYO7A (myosin VIIA; plus strand). Cytogenetic location: 11q13.5.
Variant type: single nucleotide variant.
Coding change: c.5194C>T on transcript NM_000260.4 (MANE Select); coding-DNA position 5194, C replaced by T.
Protein change: p.Arg1732Cys; replaces arginine 1732 with cysteine.
Molecular consequence: missense variant.
Genome position (GRCh38, 1-based): chr11:77,203,085, C>T. VCF-style: chr11-77203085-C-T. GRCh37 (hg19) VCF-style: chr11-76914130-C-T.
Other names: c.5080C>T, p.Arg1694Cys (NM_001127180.2); c.5047C>T, p.Arg1683Cys (NM_001369365.1); short protein forms R1732C, R1694C, R1683C.
Identifiers: ClinVar variation 1401502 (VCV001401502.8), dbSNP rs1001997233, ClinGen allele CA224852664.